The following is an entry in ClinVar:

ClinVar aggregate classification (germline): Benign/Likely benign. Review status: criteria provided, multiple submitters, no conflicts (2 of 4 stars). 7 submissions from 7 submitters: Benign (4); Likely benign (3). Last evaluated 2026-02-01.

Conditions:
Acrocallosal syndrome (ACLS). Also called: Schinzel syndrome 1; Absence of corpus callosum with unusual facial appearance, mental deficiency, duplication of the halluces and polydactyly; HALLUX DUPLICATION, POSTAXIAL POLYDACTYLY, AND ABSENCE OF CORPUS CALLOSUM. Identifiers: Orphanet 36, MedGen C0796147, MONDO:0008708, OMIM 200990.

Allele frequency attached by ClinVar (database versions not stated): gnomAD exomes 0.00105; gnomAD 0.00529 and 0.00552; TOPMed 0.00581; 1000 Genomes Project 30x 0.00796; 1000 Genomes Project 0.00839.
gnomAD v4.1: 1,836 of 1,111,336 alleles (0.17%); highest among the groups gnomAD compares: African/African-American, 1.7%; 20 homozygotes.

Submissions (7):

Labcorp Genetics (formerly Invitae), Labcorp
Classification: Benign for Acrocallosal syndrome. Last evaluated: 2026-02-01. Review status: criteria provided, single submitter. Criteria: Invitae Variant Classification Sherloc (09022015). Collection method: clinical testing. Allele origin: germline.

Blueprint Genetics
Classification: Likely benign. Last evaluated: 2024-11-25. Review status: criteria provided, single submitter. Criteria: ACMG Guidelines, 2015. Collection method: clinical testing. Allele origin: germline.

GeneDx
Classification: Benign. Last evaluated: 2018-08-31. Review status: criteria provided, single submitter. Criteria: GeneDx Variant Classification Process June 2021. Collection method: clinical testing. Allele origin: germline. Affected: yes.

Illumina Laboratory Services, Illumina
Classification: Benign for Acrocallosal syndrome. Last evaluated: 2018-01-12. Review status: criteria provided, single submitter. Criteria: ICSL Variant Classification Criteria 13 December 2019. Collection method: clinical testing. Allele origin: germline.
Comment: This variant was observed in the ICSL laboratory as part of a predisposition screen in an ostensibly healthy population. It had not been previously curated by ICSL or reported in the Human Gene Mutation Database (HGMD: prior to June 1st, 2018), and was therefore a candidate for classification through an automated scoring system. Utilizing variant allele frequency, disease prevalence and penetrance estimates, and inheritance mode, an automated score was calculated to assess if this variant is too frequent to cause the disease. Based on the score and internal cut-off values, a variant classified as benign is not then subjected to further curation. The score for this variant resulted in a classification of benign for this disease.

Eurofins Ntd Llc (ga)
Classification: Benign. Last evaluated: 2016-04-06. Review status: criteria provided, single submitter. Criteria: EGL Classification Definitions 2015. Collection method: clinical testing. Allele origin: germline. Observed: 4 variant alleles, 4 heterozygotes.

Breakthrough Genomics
Classification: Likely benign. Review status: criteria provided, single submitter. Criteria: ACMG Guidelines, 2015. Collection method: not provided. Allele origin: germline. Inheritance: Autosomal recessive inheritance. Affected: yes.

PreventionGenetics, part of Exact Sciences
Classification: Likely benign. Review status: criteria provided, single submitter. Criteria: ACMG Guidelines, 2015. Collection method: clinical testing. Allele origin: germline.

NM_198525.3(KIF7):c.1266C>G (p.Leu422=)

Gene: KIF7 (kinesin family member 7; minus strand). Cytogenetic location: 15q26.1.
Variant type: single nucleotide variant.
Coding change: c.1266C>G on transcript NM_198525.3 (MANE Select); coding-DNA position 1266, C replaced by G.
Protein change: p.Leu422=; no amino-acid change (leucine 422 retained).
Molecular consequence: synonymous variant.
Genome position (GRCh38, 1-based): chr15:89,648,432, G>C on the plus strand (C>G on the coding strand, the complement: KIF7 is on the minus strand). VCF-style: chr15-89648432-G-C. GRCh37 (hg19) VCF-style: chr15-90191663-G-C.
Identifiers: ClinVar variation 197900 (VCV000197900.23), dbSNP rs8030837, ClinGen allele CA020194.
Genomic context (GRCh38, chr15:89,648,432, plus strand): 5'-GTCGCGCACCTTGCGGGCGGCGGCGCCGGGCAGCCCGGGCTCGGCCTGCAGCTCGCGCAA[G>C]AGGCTGTAGGCGGCGTCGGTGCAGGCCCGGTAGCGCGCGCACTCGGCGCCCAGGCGCATG-3'
Protein context (NP_940927.2, residues 412-432): YRACTDAAYS[Leu422=]LRELQAEPGL